The following is an entry in ClinVar:

ClinVar aggregate classification (germline): Uncertain significance (1 of 4 stars; one submission).

Conditions:
Spondyloenchondrodysplasia with immune dysregulation (SPENCDI). Also called: COMBINED IMMUNODEFICIENCY WITH AUTOIMMUNITY AND SPONDYLOMETAPHYSEAL DYSPLASIA; ROIFMAN IMMUNOSKELETAL SYNDROME; SPONDYLOENCHONDRODYSPLASIA WITH OR WITHOUT IMMUNE DYSREGULATION. Identifiers: Orphanet 1855, MedGen C1842763, MONDO:0011939, OMIM 607944.

Allele frequency attached by ClinVar (database versions not stated): gnomAD exomes below 0.00001.
gnomAD v4.1: 1 of 1,610,490 alleles (0.000062%); highest among the groups gnomAD compares: East Asian, 0.0022%; no homozygotes.

Submission:

Labcorp Genetics (formerly Invitae), Labcorp
Classification: Uncertain significance for Spondyloenchondrodysplasia with immune dysregulation. Last evaluated: 2022-08-09. Review status: criteria provided, single submitter. Criteria: Invitae Variant Classification Sherloc (09022015). Collection method: clinical testing. Allele origin: germline.
Comment: In summary, the available evidence is currently insufficient to determine the role of this variant in disease. Therefore, it has been classified as a Variant of Uncertain Significance. Algorithms developed to predict the effect of missense changes on protein structure and function are either unavailable or do not agree on the potential impact of this missense change (SIFT: "Not Available"; PolyPhen-2: "Benign"; Align-GVGD: "Not Available"). ClinVar contains an entry for this variant (Variation ID: 1480339). This variant has not been reported in the literature in individuals affected with ACP5-related conditions. The frequency data for this variant in the population databases is considered unreliable, as metrics indicate poor data quality at this position in the gnomAD database. This sequence change replaces valine, which is neutral and non-polar, with leucine, which is neutral and non-polar, at codon 202 of the ACP5 protein (p.Val202Leu).

NM_001611.5(ACP5):c.604G>C (p.Val202Leu)

Gene: ACP5 (acid phosphatase 5, tartrate resistant; minus strand). Cytogenetic location: 19p13.2.
Variant type: single nucleotide variant.
Coding change: c.604G>C on transcript NM_001611.5 (MANE Select); coding-DNA position 604, G replaced by C.
Protein change: p.Val202Leu; replaces valine 202 with leucine.
Molecular consequence: missense variant.
Genome position (GRCh38, 1-based): chr19:11,576,374, C>G on the plus strand (G>C on the coding strand, the complement: ACP5 is on the minus strand). VCF-style: chr19-11576374-C-G. GRCh37 (hg19) VCF-style: chr19-11687189-C-G.
Other names: c.604G>C, p.Val202Leu (NM_001111034.3, NM_001111035.3, NM_001111036.3 and 1 more transcripts); short protein forms V202L.
Identifiers: ClinVar variation 1480339 (VCV001480339.8), dbSNP rs1188745377, ClinGen allele CA404146512.